The following is an entry in ClinVar:

ClinVar aggregate classification (germline): Uncertain significance (1 of 4 stars; one submission).

Conditions:
Monosomy 7 myelodysplasia and leukemia syndrome 2. Identifiers: MedGen C5436668, MONDO:0030801, OMIM 619041.

gnomAD v4.1: 4 of 1,613,962 alleles (0.00025%); highest among the groups gnomAD compares: Non-Finnish European, 0.00034%; no homozygotes.

Submission:

St. Jude Molecular Pathology, St. Jude Children's Research Hospital
Classification: Uncertain significance for Monosomy 7 myelodysplasia and leukemia syndrome 2. Last evaluated: 2026-02-20. Review status: criteria provided, single submitter. Criteria: St. Jude Assertion Criteria 2020. Collection method: clinical testing. Allele origin: germline.
Comment: The SAMD9 c.1013A>C p.(Lys338Thr) missense change has a maximu m subpopulation frequency of 0.0016% in gnomAD v2.1.1. The in silico tool REVEL predicts a benign effect on protein function; however, in silico predictions have not been found to correlate with syndromic risk for SAM D9 variants and are thus not considered supporting evidence of a pathogenic or benign effect (PMID: 34621053). To our knowledge, this variant has not been reported in individuals with SAMD9-associated conditions. In summary, the evidence currently availa ble is insufficient to determine the clinical significance of this variant. It has therefore been classified as of uncertain significance.

NM_017654.4(SAMD9):c.1013A>C (p.Lys338Thr)

Gene: SAMD9 (sterile alpha motif domain containing 9; minus strand). Cytogenetic location: 7q21.2.
Variant type: single nucleotide variant.
Coding change: c.1013A>C on transcript NM_017654.4 (MANE Select); coding-DNA position 1013, A replaced by C.
Protein change: p.Lys338Thr; replaces lysine 338 with threonine.
Molecular consequence: missense variant.
Genome position (GRCh38, 1-based): chr7:93,105,085, T>G on the plus strand (A>C on the coding strand, the complement: SAMD9 is on the minus strand). VCF-style: chr7-93105085-T-G. GRCh37 (hg19) VCF-style: chr7-92734398-T-G.
Other names: c.1013A>C, p.Lys338Thr (NM_001193307.2); short protein forms K338T.
Identifiers: ClinVar variation 4813181 (VCV004813181.1).